The following is an entry in ClinVar:

NM_153682.3(PIGP):c.292C>T (p.Gln98Ter)

Gene: PIGP (phosphatidylinositol glycan anchor biosynthesis class P; minus strand). Cytogenetic location: 21q22.13.
Variant type: single nucleotide variant.
Coding change: c.292C>T on transcript NM_153682.3 (MANE Select); coding-DNA position 292, C replaced by T.
Protein change: p.Gln98Ter; replaces glutamine 98 with a stop codon.
Molecular consequence: nonsense.
Genome position (GRCh38, 1-based): chr21:37,065,695, G>A on the plus strand (C>T on the coding strand, the complement: PIGP is on the minus strand). VCF-style: chr21-37065695-G-A. GRCh37 (hg19) VCF-style: chr21-38437995-G-A.
Other names: c.292C>T, p.Gln98Ter (NM_001320480.2); c.214C>T, p.Gln72Ter (NM_016430.4); c.364C>T, p.Gln122Ter (NM_153681.2); short protein forms Q122*, Q98*, Q72*.
Identifiers: ClinVar variation 1385959 (VCV001385959.6), dbSNP rs748893891, ClinGen allele CA10021039.

ClinVar aggregate classification (germline): Uncertain significance. Review status: criteria provided, multiple submitters, no conflicts (2 of 4 stars). 2 submissions from 2 submitters: Uncertain significance (2). Last evaluated 2024-10-16.

Allele frequency attached by ClinVar (database versions not stated): gnomAD exomes 0.00002 and 0.00003; ExAC 0.00004.
gnomAD v4.1: 30 of 1,612,774 alleles (0.0019%); highest among the groups gnomAD compares: Admixed American, 0.0084%; no homozygotes.

Submissions (2):

Labcorp Genetics (formerly Invitae), Labcorp
Classification: Uncertain significance. Last evaluated: 2024-10-16. Review status: criteria provided, single submitter. Criteria: Invitae Variant Classification Sherloc (09022015). Collection method: clinical testing. Allele origin: germline.
Comment: This sequence change creates a premature translational stop signal (p.Gln122*) in the PIGP gene. While this is not anticipated to result in nonsense mediated decay, it is expected to disrupt the last 37 amino acid(s) of the PIGP protein. This variant is present in population databases (rs748893891, gnomAD 0.01%). This variant has not been reported in the literature in individuals affected with PIGP-related conditions. ClinVar contains an entry for this variant (Variation ID: 1385959). Experimental studies and prediction algorithms are not available or were not evaluated, and the functional significance of this variant is currently unknown. Algorithms developed to predict the effect of sequence changes on RNA splicing suggest that this variant may disrupt the consensus splice site. In summary, the available evidence is currently insufficient to determine the role of this variant in disease. Therefore, it has been classified as a Variant of Uncertain Significance.

GeneDx
Classification: Uncertain significance. Last evaluated: 2024-04-29. Review status: criteria provided, single submitter. Criteria: GeneDx Variant Classification Process June 2021. Collection method: clinical testing. Allele origin: germline. Affected: yes.
Comment: Nonsense variant predicted to result in protein truncation, as the last 37 amino acids are lost, and other loss-of-function variants have been reported downstream in HGMD; Has not been previously published as pathogenic or benign to our knowledge